The following is an entry in ClinVar:

NM_000143.4(FH):c.1071C>T (p.Ile357=)

Gene: FH (fumarate hydratase; minus strand). Cytogenetic location: 1q43.
Variant type: single nucleotide variant.
Coding change: c.1071C>T on transcript NM_000143.4 (MANE Select); coding-DNA position 1071, C replaced by T.
Protein change: p.Ile357=; no amino-acid change (isoleucine 357 retained).
Molecular consequence: synonymous variant.
Genome position (GRCh38, 1-based): chr1:241,504,079, G>A on the plus strand (C>T on the coding strand, the complement: FH is on the minus strand). VCF-style: chr1-241504079-G-A. GRCh37 (hg19) VCF-style: chr1-241667379-G-A.
Identifiers: ClinVar variation 1552710 (VCV001552710.11), dbSNP rs1391140770, ClinGen allele CA424075750.

ClinVar aggregate classification (germline): Benign/Likely benign. Review status: criteria provided, multiple submitters, no conflicts (2 of 4 stars). 3 submissions from 3 submitters: Benign (1); Likely benign (2). Last evaluated 2025-06-20.

Conditions:
Hereditary cancer-predisposing syndrome. Also called: Tumor predisposition; Neoplastic Syndromes, Hereditary; Hereditary Cancer Syndrome; Hereditary neoplastic syndrome. Identifiers: Orphanet 140162, MedGen C0027672, MeSH D009386, MONDO:0015356.
Hereditary leiomyomatosis and renal cell cancer. Also called: FH tumor predisposition syndrome; MULTIPLE CUTANEOUS AND UTERINE LEIOMYOMATA 1, WITH OR WITHOUT RENAL CELL CARCINOMA; LEIOMYOMA, MULTIPLE CUTANEOUS; Reed syndrome; Multiple cutaneous and uterine leiomyomatosis; Cutaneous leiomyomata with uterine leiomyomata. Identifiers: Orphanet 523, MedGen C1708350, MONDO:0007888, OMIM 150800, HP:0007437. Disease mechanism: loss of function.

Allele frequency attached by ClinVar (database versions not stated): gnomAD exomes below 0.00001; TOPMed 0.00001.
gnomAD v4.1: 2 of 1,614,078 alleles (0.00012%); highest among the groups gnomAD compares: African/African-American, 0.0027%; no homozygotes.

Submissions (3):

Labcorp Genetics (formerly Invitae), Labcorp
Classification: Likely benign. Last evaluated: 2025-06-20. Review status: criteria provided, single submitter. Criteria: Invitae Variant Classification Sherloc (09022015). Collection method: clinical testing. Allele origin: germline.

Myriad Genetics, Inc.
Classification: Benign for Hereditary leiomyomatosis and renal cell cancer. Last evaluated: 2024-10-21. Review status: criteria provided, single submitter. Criteria: Myriad Autosomal Dominant, Autosomal Recessive and X-Linked Classification Criteria (2023). Collection method: clinical testing. Allele origin: unknown.
Comment: This variant is considered benign. This variant is a silent/synonymous amino acid change and it is not expected to impact splicing.

Ambry Genetics
Classification: Likely benign for Hereditary cancer-predisposing syndrome. Last evaluated: 2020-03-16. Review status: criteria provided, single submitter. Criteria: Ambry Variant Classification Scheme 2023. Collection method: clinical testing. Allele origin: germline.